The following is an entry in ClinVar:

NC_000005.9:g.(?_1253843)_(1272405_?)dup

Gene: TERT (telomerase reverse transcriptase; minus strand). Cytogenetic location: 5p15.33.
Variant type: Duplication.
Identifiers: ClinVar variation 1064384 (VCV001064384.7).

ClinVar aggregate classification (germline): Uncertain significance. Review status: criteria provided, single submitter (1 of 4 stars). 2 submissions from 1 submitter: Uncertain significance (2). Last evaluated 2022-10-04.

Conditions:
Idiopathic Pulmonary Fibrosis. Also called: idiopathic fibrosing alveolitis; Idiopathic fibrosing alveolitis, chronic form. Identifiers: Orphanet 2032, MedGen C1800706, MeSH D054990, MONDO:0800504.
Dyskeratosis congenita, autosomal dominant 2. Identifiers: MedGen C3151443, MONDO:0013521, OMIM 613989.
Interstitial lung disease 2 (ILD2). Also called: FIBROCYSTIC PULMONARY DYSPLASIA; FIBROSING ALVEOLITIS, CRYPTOGENIC; Familial idiopathic pulmonary fibrosis. Identifiers: Orphanet 2032, Orphanet 79126, MedGen C5561926, MONDO:0800497, OMIM 178500, MONDO:0800029.

Submissions (2):

Labcorp Genetics (formerly Invitae), Labcorp
Classification: Uncertain significance for Dyskeratosis congenita, autosomal dominant 2; Idiopathic Pulmonary Fibrosis. Last evaluated: 2022-10-04. Review status: criteria provided, single submitter. Criteria: Invitae Variant Classification Sherloc (09022015). Collection method: clinical testing. Allele origin: germline.
Comment: This variant results in a copy number gain of the genomic region encompassing exon(s) 7-16 of the TERT gene. This region includes the termination codon of the gene. This copy number gain extends beyond the assayed region for this gene and therefore may encompass additional genes. As the precise location of this event is unknown, it may be in tandem or it may be located elsewhere in the genome. This variant has not been reported in the literature in individuals affected with TERT-related conditions. Experimental studies and prediction algorithms are not available or were not evaluated, and the functional significance of this variant is currently unknown. In summary, the available evidence is currently insufficient to determine the role of this variant in disease. Therefore, it has been classified as a Variant of Uncertain Significance.

Labcorp Genetics (formerly Invitae), Labcorp
Classification: Uncertain significance for Dyskeratosis congenita, autosomal dominant 2; Idiopathic Pulmonary Fibrosis. Last evaluated: 2020-09-03. Review status: criteria provided, single submitter. Criteria: Invitae Variant Classification Sherloc (09022015). Collection method: clinical testing. Allele origin: germline.
Comment: This variant is a gross duplication of the genomic region encompassing exons 7-16 of the TERT gene. The 5' boundary is likely confined to intron 6. The 3' end of this event is unknown as it extends beyond the assayed region for this gene and therefore may encompass additional genes. This gross duplication has not been reported in the literature in an individual with TERT-related disease. Experimental studies and prediction algorithms are not available for this variant, and the functional significance of the duplicated amino acids is currently unknown. In summary, the exact genomic location of this variant is unknown and the impact of this duplication on TERT protein function has not been established. Therefore, it has been classified as a Variant of Uncertain Significance